The following is an entry in ClinVar:

ClinVar aggregate classification (germline): Uncertain significance (1 of 4 stars; one submission).

Conditions:
Hereditary pancreatitis (PCTT). Also called: Hereditary chronic pancreatitis; PRSS1-Related Hereditary Pancreatitis. Identifiers: Orphanet 676, MedGen C0238339, MONDO:0008185, OMIM 167800.

Submission:

Labcorp Genetics (formerly Invitae), Labcorp
Classification: Uncertain significance for Hereditary pancreatitis. Last evaluated: 2023-01-16. Review status: criteria provided, single submitter. Criteria: Invitae Variant Classification Sherloc (09022015). Collection method: clinical testing. Allele origin: germline.
Comment: In summary, the available evidence is currently insufficient to determine the role of this variant in disease. Therefore, it has been classified as a Variant of Uncertain Significance. The current clinical and genetic evidence is not sufficient to establish whether loss-of-function variants in PRSS1 cause disease. Experimental studies and prediction algorithms are not available or were not evaluated, and the functional significance of this variant is currently unknown. This variant has not been reported in the literature in individuals affected with PRSS1-related conditions. This variant is a gross deletion of the genomic region encompassing exon(s) 4-5 of the PRSS1 gene, which includes the termination codon. This deletion extends beyond the assayed region for this gene and therefore may encompass additional genes. While this deletion is not anticipated to lead to nonsense mediated decay, it is expected to alter mRNA translation or result in a truncated protein product.

NC_000007.13:g.(?_142460272)_(142460871_?)del

Genes: TRB (T cell receptor beta locus; plus strand), PRSS1 (serine protease 1; plus strand). Cytogenetic location: 7q34.
Variant type: Deletion.
Identifiers: ClinVar variation 2424535 (VCV002424535.4).